The following is an entry in ClinVar:

ClinVar aggregate classification (germline): Uncertain significance (1 of 4 stars; one submission).

Conditions:
Cardiovascular phenotype. Identifiers: MedGen CN230736.

Allele frequency attached by ClinVar (database versions not stated): ExAC 0.00002.
gnomAD v4.1: 9 of 1,613,974 alleles (0.00056%); highest among the groups gnomAD compares: Non-Finnish European, 0.00059%; no homozygotes.

Submission:

Ambry Genetics
Classification: Uncertain significance for Cardiovascular phenotype. Last evaluated: 2022-12-01. Review status: criteria provided, single submitter. Criteria: Ambry Variant Classification Scheme 2023. Collection method: clinical testing. Allele origin: germline.
Comment: The p.T250P variant (also known as c.748A>C), located in coding exon 5 of the MYOZ2 gene, results from an A to C substitution at nucleotide position 748. The threonine at codon 250 is replaced by proline, an amino acid with highly similar properties. This amino acid position is conserved. In addition, this alteration is predicted to be tolerated by in silico analysis. Since supporting evidence is limited at this time, the clinical significance of this alteration remains unclear.

NM_016599.5(MYOZ2):c.748A>C (p.Thr250Pro)

Gene: MYOZ2 (myozenin 2; plus strand). Cytogenetic location: 4q26.
Variant type: single nucleotide variant.
Coding change: c.748A>C on transcript NM_016599.5 (MANE Select); coding-DNA position 748, A replaced by C.
Protein change: p.Thr250Pro; replaces threonine 250 with proline.
Molecular consequence: missense variant.
Genome position (GRCh38, 1-based): chr4:119,186,153, A>C. VCF-style: chr4-119186153-A-C. GRCh37 (hg19) VCF-style: chr4-120107308-A-C.
Other names: short protein forms T250P.
Identifiers: ClinVar variation 2449416 (VCV002449416.2), dbSNP rs770347077, ClinGen allele CA3058701.